The following is an entry in ClinVar:

ClinVar aggregate classification (germline): Uncertain significance. Review status: criteria provided, multiple submitters, no conflicts (2 of 4 stars). 2 submissions from 2 submitters: Uncertain significance (2). Last evaluated 2026-01-30.

Allele frequency attached by ClinVar (database versions not stated): ExAC 0.00001; gnomAD 0.00001; gnomAD exomes 0.00001; TOPMed 0.00001.
gnomAD v4.1: 16 of 1,613,946 alleles (0.00099%); highest among the groups gnomAD compares: Middle Eastern, 0.016%; no homozygotes.

Submissions (2):

Dasa
Classification: Uncertain significance. Last evaluated: 2026-01-30. Review status: criteria provided, single submitter. Criteria: DASA Assertion Criteria. Collection method: clinical testing. Allele origin: germline.
Comment: NM_014712.3(SETD1A):c.934C>T (p.Arg312Cys) is a missense variant that results in the substitution of arginine with cysteine. This variant is rare in population databases. Computational prediction algorithms are consistent with a deleterious effect. The currently available literature and clinical evidence are not sufficient to establish a definitive association between this variant and the reported condition. Therefore, this variant is classified as a variant of uncertain significance.

CeGaT Center for Human Genetics Tuebingen
Classification: Uncertain significance. Last evaluated: 2023-03-01. Review status: criteria provided, single submitter. Criteria: CeGaT Center For Human Genetics Tuebingen Variant Classification Criteria Version 2. Collection method: clinical testing. Allele origin: germline. Affected: yes. Observed: 1 variant allele.

NM_014712.3(SETD1A):c.934C>T (p.Arg312Cys)

Gene: SETD1A (SET domain containing 1A, histone lysine methyltransferase; plus strand). Cytogenetic location: 16p11.2.
Variant type: single nucleotide variant.
Coding change: c.934C>T on transcript NM_014712.3 (MANE Select); coding-DNA position 934, C replaced by T.
Protein change: p.Arg312Cys; replaces arginine 312 with cysteine.
Molecular consequence: missense variant.
Genome position (GRCh38, 1-based): chr16:30,964,676, C>T. VCF-style: chr16-30964676-C-T. GRCh37 (hg19) VCF-style: chr16-30975997-C-T.
Other names: short protein forms R312C.
Identifiers: ClinVar variation 2646423 (VCV002646423.26), dbSNP rs753825199, ClinGen allele CA8016551.